The following is an entry in ClinVar:

ClinVar aggregate classification (germline): Uncertain significance (1 of 4 stars; one submission).

Submission:

Labcorp Genetics (formerly Invitae), Labcorp
Classification: Uncertain significance. Last evaluated: 2023-02-01. Review status: criteria provided, single submitter. Criteria: Invitae Variant Classification Sherloc (09022015). Collection method: clinical testing. Allele origin: germline.
Comment: This sequence change replaces alanine, which is neutral and non-polar, with valine, which is neutral and non-polar, at codon 962 of the NEFH protein (p.Ala962Val). This variant is not present in population databases (gnomAD no frequency). This variant has not been reported in the literature in individuals affected with NEFH-related conditions. Advanced modeling of protein sequence and biophysical properties (such as structural, functional, and spatial information, amino acid conservation, physicochemical variation, residue mobility, and thermodynamic stability) performed at Invitae indicates that this missense variant is not expected to disrupt NEFH protein function. In summary, the available evidence is currently insufficient to determine the role of this variant in disease. Therefore, it has been classified as a Variant of Uncertain Significance.

NM_021076.4(NEFH):c.2885C>T (p.Ala962Val)

Gene: NEFH (neurofilament heavy chain; plus strand). Cytogenetic location: 22q12.2.
Variant type: single nucleotide variant.
Coding change: c.2885C>T on transcript NM_021076.4 (MANE Select); coding-DNA position 2885, C replaced by T.
Protein change: p.Ala962Val; replaces alanine 962 with valine.
Molecular consequence: missense variant.
Genome position (GRCh38, 1-based): chr22:29,490,525, C>T. VCF-style: chr22-29490525-C-T. GRCh37 (hg19) VCF-style: chr22-29886514-C-T.
Other names: short protein forms A962V.
Identifiers: ClinVar variation 2994818 (VCV002994818.3), dbSNP rs2517979828, ClinGen allele CA411138989.